The following is an entry in ClinVar:

ClinVar aggregate classification (germline): Uncertain significance. Review status: criteria provided, single submitter (1 of 4 stars). 2 submissions from 2 submitters: Uncertain significance (1). 1 of the submissions does not count toward it. Last evaluated 2023-10-26.

Conditions:
Cardiovascular phenotype. Identifiers: MedGen CN230736.
TNXB-related disorder. Also called: TNXB-related condition.

Allele frequency attached by ClinVar (database versions not stated): gnomAD 0.00001.
gnomAD v4.1: 4 of 1,612,426 alleles (0.00025%); highest among the groups gnomAD compares: African/African-American, 0.0027%; no homozygotes.

Submissions (2):

Ambry Genetics
Classification: Uncertain significance for Cardiovascular phenotype. Last evaluated: 2023-10-26. Review status: criteria provided, single submitter. Criteria: Ambry Variant Classification Scheme 2023. Collection method: clinical testing. Allele origin: germline.
Comment: The p.P3165L variant (also known as c.9494C>T), located in coding exon 27 of the TNXB gene, results from a C to T substitution at nucleotide position 9494. The proline at codon 3165 is replaced by leucine, an amino acid with similar properties. This amino acid position is conserved. In addition, this alteration is predicted to be tolerated by in silico analysis. Since supporting evidence is limited at this time, the clinical significance of this alteration remains unclear.

PreventionGenetics, part of Exact Sciences
Classification: Uncertain significance for TNXB-related condition. Last evaluated: 2024-05-20. Review status: no assertion criteria provided. Collection method: clinical testing. Allele origin: germline. Not counted in ClinVar's aggregate classification.
Comment: The TNXB c.9494C>T variant is predicted to result in the amino acid substitution p.Pro3165Leu. To our knowledge, this variant has not been reported in the literature. This variant is reported in 0.0029% of alleles in individuals of Latino descent in gnomAD. At this time, the clinical significance of this variant is uncertain due to the absence of conclusive functional and genetic evidence.

NM_001365276.2(TNXB):c.9500C>T (p.Pro3167Leu)

Gene: TNXB (tenascin XB; minus strand). Cytogenetic location: 6p21.33.
Variant type: single nucleotide variant.
Coding change: c.9500C>T on transcript NM_001365276.2 (MANE Select); coding-DNA position 9500, C replaced by T.
Protein change: p.Pro3167Leu; replaces proline 3167 with leucine.
Molecular consequence: missense variant.
Genome position (GRCh38, 1-based): chr6:32,049,527, G>A on the plus strand (C>T on the coding strand, the complement: TNXB is on the minus strand). VCF-style: chr6-32049527-G-A. GRCh37 (hg19) VCF-style: chr6-32017304-G-A.
Other names: c.10241C>T, p.Pro3414Leu (NM_001428335.1); c.9494C>T, p.Pro3165Leu (NM_019105.8); short protein forms P3165L, P3167L, P3414L.
Identifiers: ClinVar variation 3227363 (VCV003227363.2), dbSNP rs759839720, ClinGen allele CA136900680.
Genomic context (GRCh38, chr6:32,049,527, plus strand): 5'-GTCCAGGAGAGGCTCAGCGAGTCAGGGGAGGATCCTGTCACTGTCAACTCCCCCAGGAGC[G>A]GCTCCTCAGGGGCCTCCGGGGCCTCAGTGCTGGGTTCTGTGGGGCTGGGGGTCTCTTCCT-3'
Protein context (NP_001352205.1, residues 3157-3177): STEAPEAPEE[Pro3167Leu]LLGELTVTGS